The following is an entry in ClinVar:

ClinVar aggregate classification (germline): Likely pathogenic. Review status: criteria provided, multiple submitters, no conflicts (2 of 4 stars). 2 submissions from 2 submitters: Likely pathogenic (2). Last evaluated 2026-07-01.

Conditions:
Glycogen storage disease, type II (IOPD). Also called: CARDIOMEGALIA GLYCOGENICA DIFFUSA; GLYCOGENOSIS, GENERALIZED, CARDIAC FORM; GSD II; Glycogen storage disease type 2; Acid maltase deficiency disease; Aglucosidase alfa. Identifiers: Orphanet 365, MedGen C0017921, MONDO:0009290, OMIM 232300.

gnomAD v4.1: 1 of 1,573,496 alleles (0.000064%); highest among the groups gnomAD compares: Non-Finnish European, 0.000086%; no homozygotes.

Submissions (2):

Genomenon, Inc
Classification: Likely pathogenic for Glycogen storage disease, type II. Last evaluated: 2026-07-01. Review status: criteria provided, single submitter. Criteria: Genomenon Sequence Variant Interpretation Standards - Updated. Collection method: curation. Allele origin: germline. Affected: no.
Comment: GAA c.2189+1G>A is a canonical splice variant affecting the donor splice site of intron 15. It is predicted to affect mRNA splicing, leading to a deleterious effect on the GAA protein. This variant has been reported in the published literature (PMID:18425781). It is absent or not present at a significant frequency in gnomAD. In conclusion, we classify GAA c.2189+1G>A as a likely pathogenic variant.

Molecular Genetics Department, Kulakov National Medical Research Center for Obstetrics, Gynecology and Perinatology
Classification: Likely pathogenic for Glycogen storage disease, type II. Review status: criteria provided, single submitter. Criteria: ACMG Guidelines, 2015. Collection method: clinical testing. Allele origin: germline. Affected: yes. Observed: 1 variant allele.
Comment: A previously undescribed heterozygous nucleotide variant creates an alteration of the canonical splice site c.2189+1G>A in the GAA gene (rs1209887739). Homozygous and compound heterozygous variants are reported in patients with glycogen storage disease iI, 232300. The variant is not present in population database (gnomAD no frequency). The variant is found in trans-position with the GAA variant (NM_000152:c.1822C>T). In summary, the currently available evidence indicates that the variant is pathogenic, but additional data are needed to prove that conclusively. Therefore, this variant has been classified as likely pathogenic.

Literature cited by the submitters: PubMed 18425781 (cited by Genomenon, Inc).

NM_000152.5(GAA):c.2189+1G>A

Gene: GAA (alpha glucosidase; plus strand). Cytogenetic location: 17q25.3.
Variant type: single nucleotide variant.
Coding change: c.2189+1G>A on transcript NM_000152.5 (MANE Select); the canonical splice donor site of the intron after coding-DNA position 2189, G replaced by A.
Molecular consequence: splice donor variant.
Genome position (GRCh38, 1-based): chr17:80,113,367, G>A. VCF-style: chr17-80113367-G-A. GRCh37 (hg19) VCF-style: chr17-78087166-G-A.
Other names: c.2189+1G>A (NM_001406741.1, NM_001406742.1, NM_001079803.3 and 1 more transcripts).
Identifiers: ClinVar variation 4294433 (VCV004294433.2).